The following is an entry in ClinVar:

NM_001267550.2(TTN):c.71785G>A (p.Gly23929Arg)

Genes: TTN (titin; minus strand), TTN-AS1 (TTN antisense RNA 1; plus strand). Cytogenetic location: 2q31.2.
Variant type: single nucleotide variant.
Coding change: c.71785G>A on transcript NM_001267550.2 (MANE Select); coding-DNA position 71785, G replaced by A.
Protein change: p.Gly23929Arg; replaces glycine 23929 with arginine.
Molecular consequence: missense variant.
Genome position (GRCh38, 1-based): chr2:178,574,347, C>T on the plus strand (G>A on the coding strand, the complement: TTN is on the minus strand). VCF-style: chr2-178574347-C-T. GRCh37 (hg19) VCF-style: chr2-179439074-C-T.
Other names: c.66862G>A, p.Gly22288Arg (NM_001256850.1); c.44590G>A, p.Gly14864Arg (NM_003319.4); c.64081G>A, p.Gly21361Arg (NM_133378.4); c.44965G>A, p.Gly14989Arg (NM_133432.3); c.45166G>A, p.Gly15056Arg (NM_133437.4); short protein forms G14864R, G14989R, G15056R, G21361R, G22288R, G23929R.
Identifiers: ClinVar variation 3390515 (VCV003390515.2).

ClinVar aggregate classification (germline): Uncertain significance. Review status: criteria provided, multiple submitters, no conflicts (2 of 4 stars). 2 submissions from 2 submitters: Uncertain significance (2). Last evaluated 2026-05-25.

gnomAD v4.1: 49 of 1,613,364 alleles (0.003%); highest among the groups gnomAD compares: Admixed American, 0.005%; no homozygotes.

Submissions (2):

Women's Health and Genetics/Laboratory Corporation of America, LabCorp
Classification: Uncertain significance. Last evaluated: 2026-05-25. Review status: criteria provided, single submitter. Criteria: LabCorp Variant Classification Summary - May 2015. Collection method: clinical testing. Allele origin: germline.

GeneDx
Classification: Uncertain significance. Last evaluated: 2024-06-13. Review status: criteria provided, single submitter. Criteria: GeneDx Variant Classification Process June 2021. Collection method: clinical testing. Allele origin: germline. Affected: yes.
Comment: Not observed at significant frequency in large population cohorts (gnomAD); Missense variant in a gene in which most reported pathogenic variants are truncating/loss of function; Has not been previously published as pathogenic or benign to our knowledge